The following is an entry in ClinVar:

ClinVar aggregate classification (germline): Benign. Review status: criteria provided, multiple submitters, no conflicts (2 of 4 stars). 4 submissions from 4 submitters: Benign (3). 1 of the submissions does not count toward it. Last evaluated 2018-11-10.

Conditions:
Spermatogenic failure 7. Also called: MALE INFERTILITY, NONSYNDROMIC, AUTOSOMAL RECESSIVE. Identifiers: Orphanet 276234, MedGen C2751811, MONDO:0013070, OMIM 612997.
CATSPER1-related disorder. Also called: CATSPER1-related condition.

Allele frequency attached by ClinVar (database versions not stated): TOPMed 0.00888; ExAC 0.01370; gnomAD 0.00739 and 0.00566; gnomAD exomes 0.01392 and 0.00505; ESP Exome Variant Server 0.00069; 1000 Genomes Project 30x 0.02889; 1000 Genomes Project 0.03055.

Submissions (4):

GeneDx
Classification: Benign. Last evaluated: 2018-11-10. Review status: criteria provided, single submitter. Criteria: GeneDx Variant Classification Process June 2021. Collection method: clinical testing. Allele origin: germline. Affected: yes.

Illumina Laboratory Services, Illumina
Classification: Benign for Spermatogenic failure 7. Last evaluated: 2018-01-13. Review status: criteria provided, single submitter. Criteria: ICSL Variant Classification Criteria 13 December 2019. Collection method: clinical testing. Allele origin: germline.
Comment: This variant was observed in the ICSL laboratory as part of a predisposition screen in an ostensibly healthy population. It had not been previously curated by ICSL or reported in the Human Gene Mutation Database (HGMD: prior to June 1st, 2018), and was therefore a candidate for classification through an automated scoring system. Utilizing variant allele frequency, disease prevalence and penetrance estimates, and inheritance mode, an automated score was calculated to assess if this variant is too frequent to cause the disease. Based on the score and internal cut-off values, a variant classified as benign is not then subjected to further curation. The score for this variant resulted in a classification of benign for this disease.

Breakthrough Genomics
Classification: Benign. Review status: criteria provided, single submitter. Criteria: ACMG Guidelines, 2015. Collection method: not provided. Allele origin: germline. Inheritance: Autosomal recessive inheritance. Affected: yes.

PreventionGenetics, part of Exact Sciences
Classification: Benign for CATSPER1-related condition. Last evaluated: 2024-06-05. Review status: no assertion criteria provided. Collection method: clinical testing. Allele origin: germline. Not counted in ClinVar's aggregate classification.
Comment: This variant is classified as benign based on ACMG/AMP sequence variant interpretation guidelines (Richards et al. 2015 PMID: 25741868, with internal and published modifications).

NM_053054.4(CATSPER1):c.730G>A (p.Gly244Arg)

Gene: CATSPER1 (cation channel sperm associated 1; minus strand). Cytogenetic location: 11q13.1.
Variant type: single nucleotide variant.
Coding change: c.730G>A on transcript NM_053054.4 (MANE Select); coding-DNA position 730, G replaced by A.
Protein change: p.Gly244Arg; replaces glycine 244 with arginine.
Molecular consequence: missense variant.
Genome position (GRCh38, 1-based): chr11:66,025,650, C>T on the plus strand (G>A on the coding strand, the complement: CATSPER1 is on the minus strand). VCF-style: chr11-66025650-C-T. GRCh37 (hg19) VCF-style: chr11-65793121-C-T.
Other names: short protein forms G244R.
Identifiers: ClinVar variation 305442 (VCV000305442.8), dbSNP rs79062509, ClinGen allele CA6114869.